The following is an entry in ClinVar:

ClinVar aggregate classification (germline): Likely benign (0 of 4 stars; one submission).

Conditions:
PHF6-related disorder. Also called: PHF6-related condition.

gnomAD v4.1: 1 of 1,211,021 alleles (0.000083%); highest among the groups gnomAD compares: Non-Finnish European, 0.00011%; no homozygotes.

Submission:

PreventionGenetics, part of Exact Sciences
Classification: Likely benign for PHF6-related condition. Last evaluated: 2021-06-25. Review status: no assertion criteria provided. Collection method: clinical testing. Allele origin: germline.
Comment: This variant is classified as likely benign based on ACMG/AMP sequence variant interpretation guidelines (Richards et al. 2015 PMID: 25741868, with internal and published modifications).

NM_001015877.2(PHF6):c.537C>T (p.Thr179=)

Gene: PHF6 (PHD finger protein 6; plus strand). Cytogenetic location: Xq26.2.
Variant type: single nucleotide variant.
Coding change: c.537C>T on transcript NM_001015877.2 (MANE Select); coding-DNA position 537, C replaced by T.
Protein change: p.Thr179=; no amino-acid change (threonine 179 retained).
Molecular consequence: synonymous variant.
Genome position (GRCh38, 1-based): chrX:134,413,609, C>T. VCF-style: chrX-134413609-C-T. GRCh37 (hg19) VCF-style: chrX-133547639-C-T.
Other names: c.540C>T, p.Thr180= (NM_032335.3); c.537C>T, p.Thr179= (NM_032458.3).
Identifiers: ClinVar variation 3351337 (VCV003351337.1).